The following is an entry in ClinVar:

ClinVar aggregate classification (germline): Likely benign (1 of 4 stars; one submission).

Conditions:
Familial cancer of breast. Also called: Hereditary breast cancer; hereditary breast carcinoma; BREAST CANCER, FAMILIAL. Identifiers: Orphanet 227535, MedGen C0346153, MONDO:0016419, OMIM 114480. Disease mechanism: loss of function.

Submission:

Myriad Genetics, Inc.
Classification: Likely benign for Familial cancer of breast. Last evaluated: 2025-01-10. Review status: criteria provided, single submitter. Criteria: Myriad Autosomal Dominant, Autosomal Recessive and X-Linked Classification Criteria (2023). Collection method: clinical testing. Allele origin: unknown.
Comment: This variant is considered likely benign. This variant is intronic and is not expected to impact mRNA splicing.

NM_024675.4(PALB2):c.212-10T>C

Gene: PALB2 (partner and localizer of BRCA2; minus strand). Cytogenetic location: 16p12.2.
Variant type: single nucleotide variant.
Coding change: c.212-10T>C on transcript NM_024675.4 (MANE Select); 10 bases into the intron before coding-DNA position 212, T replaced by C.
Molecular consequence: intron variant.
Genome position (GRCh38, 1-based): chr16:23,636,344, A>G on the plus strand (T>C on the coding strand, the complement: PALB2 is on the minus strand). VCF-style: chr16-23636344-A-G. GRCh37 (hg19) VCF-style: chr16-23647665-A-G.
Other names: c.-674-10T>C (NM_001407308.1, NM_001407306.1, NM_001407307.1 and 5 more transcripts); c.48+4766T>C (NM_001407314.1); c.-105+4766T>C (NM_001407313.1, NM_001407312.1); c.152-10T>C (NM_001407296.1); c.212-10T>C (NM_001407297.1, NM_001407302.1, NM_001407298.1 and 3 more transcripts).
Identifiers: ClinVar variation 3903928 (VCV003903928.1).